The following is an entry in ClinVar:

NM_001145358.2(SIN3A):c.2587A>C (p.Lys863Gln)

Gene: SIN3A (SIN3 transcription regulator family member A; minus strand). Cytogenetic location: 15q24.2.
Variant type: single nucleotide variant.
Coding change: c.2587A>C on transcript NM_001145358.2 (MANE Select); coding-DNA position 2587, A replaced by C.
Protein change: p.Lys863Gln; replaces lysine 863 with glutamine.
Molecular consequence: missense variant.
Genome position (GRCh38, 1-based): chr15:75,392,506, T>G on the plus strand (A>C on the coding strand, the complement: SIN3A is on the minus strand). VCF-style: chr15-75392506-T-G. GRCh37 (hg19) VCF-style: chr15-75684847-T-G.
Other names: c.2587A>C, p.Lys863Gln (NM_001145357.2, NM_015477.3); short protein forms K863Q.
Identifiers: ClinVar variation 2711842 (VCV002711842.3), dbSNP rs2543075486, ClinGen allele CA393490909.

ClinVar aggregate classification (germline): Uncertain significance (1 of 4 stars; one submission).

Submission:

Labcorp Genetics (formerly Invitae), Labcorp
Classification: Uncertain significance. Last evaluated: 2024-07-03. Review status: criteria provided, single submitter. Criteria: Invitae Variant Classification Sherloc (09022015). Collection method: clinical testing. Allele origin: germline.
Comment: This sequence change replaces lysine, which is basic and polar, with glutamine, which is neutral and polar, at codon 863 of the SIN3A protein (p.Lys863Gln). This variant is not present in population databases (gnomAD no frequency). This variant has not been reported in the literature in individuals affected with SIN3A-related conditions. Advanced modeling of protein sequence and biophysical properties (such as structural, functional, and spatial information, amino acid conservation, physicochemical variation, residue mobility, and thermodynamic stability) performed at Invitae indicates that this missense variant is not expected to disrupt SIN3A protein function with a negative predictive value of 80%. In summary, the available evidence is currently insufficient to determine the role of this variant in disease. Therefore, it has been classified as a Variant of Uncertain Significance.